The following is an entry in ClinVar:

ClinVar aggregate classification (germline): Likely benign (0 of 4 stars; one submission).

Conditions:
PIGU-related disorder. Also called: PIGU-related condition.

Submission:

PreventionGenetics, part of Exact Sciences
Classification: Likely benign for PIGU-related condition. Last evaluated: 2019-11-26. Review status: no assertion criteria provided. Collection method: clinical testing. Allele origin: germline.
Comment: This variant is classified as likely benign based on ACMG/AMP sequence variant interpretation guidelines (Richards et al. 2015 PMID: 25741868, with internal and published modifications).

NM_080476.5(PIGU):c.319-6_319-5del

Gene: PIGU (phosphatidylinositol glycan anchor biosynthesis class U; minus strand). Cytogenetic location: 20q11.22.
Variant type: Deletion.
Coding change: c.319-6_319-5del on transcript NM_080476.5 (MANE Select); 6 bases into the intron before coding-DNA position 319 through 5 bases into the intron before coding-DNA position 319, 2 bases deleted (TT; older notation c.319-6_319-5delTT).
Molecular consequence: intron variant.
Genome position (GRCh38, 1-based): chr20:34,637,990-34,637,991, AA deleted on the plus strand (TT on the coding strand, the reverse complement: PIGU is on the minus strand); deleting any 2 consecutive bases within chr20:34,637,990-34,638,003 gives the same sequence; the c. name uses the placement nearest the transcript's 3' end. VCF-style (leftmost placement, unchanged base first): chr20-34637989-GAA-G. GRCh37 (hg19) VCF-style: chr20-33225793-GAA-G.
Identifiers: ClinVar variation 3041569 (VCV003041569.2), dbSNP rs562683306, ClinGen allele CA9822704.